The following is an entry in ClinVar:

ClinVar aggregate classification (germline): Conflicting classifications of pathogenicity. Review status: criteria provided, conflicting classifications (1 of 4 stars). 4 submissions from 4 submitters: Uncertain significance (2); Likely benign (2). Last evaluated 2026-06-01.

Conditions:
PKD1-related disorder. Also called: PKD1-related condition.
Polycystic kidney disease, adult type (PKD1). Also called: Polycystic Kidney Disease 1, Autosomal Dominant; Polycystic kidney disease 1; Polycystic kidney disease 1, severe; POLYCYSTIC KIDNEY DISEASE, ADULT, TYPE I; POLYCYSTIC KIDNEY DISEASE 1 WITH OR WITHOUT POLYCYSTIC LIVER DISEASE; Polycystic Kidney, Autosomal Dominant. Identifiers: MedGen C3149841, MONDO:0008263, OMIM 173900.

Allele frequency attached by ClinVar (database versions not stated): TOPMed 0.00012; gnomAD 0.00016; ExAC 0.00008.
gnomAD v4.1: 234 of 1,589,366 alleles (0.015%); highest among the groups gnomAD compares: East Asian, 0.057%; no homozygotes.

Submissions (4):

PreventionGenetics, part of Exact Sciences
Classification: Likely benign for PKD1-related condition. Last evaluated: 2026-06-01. Review status: criteria provided, single submitter. Criteria: ACMG Guidelines, 2015. Collection method: clinical testing. Allele origin: germline.
Comment: This variant is classified as likely benign based on ACMG/AMP sequence variant interpretation guidelines (Richards et al. 2015 PMID: 25741868, with internal and published modifications).

Fulgent Genetics
Classification: Uncertain significance for Polycystic kidney disease, adult type. Last evaluated: 2024-05-25. Review status: criteria provided, single submitter. Criteria: ACMG Guidelines, 2015. Collection method: clinical testing. Allele origin: germline.

Blueprint Genetics
Classification: Likely benign. Last evaluated: 2024-05-07. Review status: criteria provided, single submitter. Criteria: ACMG Guidelines, 2015. Collection method: clinical testing. Allele origin: germline.

MVZ Martinsried, Medicover Genetics
Classification: Uncertain significance for Polycystic kidney disease, adult type. Last evaluated: 2023-04-27. Review status: criteria provided, single submitter. Criteria: ACGS Guidelines, 2020. Collection method: clinical testing. Allele origin: unknown. Affected: yes.

NM_001009944.3(PKD1):c.7480G>A (p.Glu2494Lys)

Gene: PKD1 (polycystin 1, transient receptor potential channel interacting; minus strand). Cytogenetic location: 16p13.3.
Variant type: single nucleotide variant.
Coding change: c.7480G>A on transcript NM_001009944.3 (MANE Select); coding-DNA position 7480, G replaced by A.
Protein change: p.Glu2494Lys; replaces glutamic acid 2494 with lysine.
Molecular consequence: missense variant.
Genome position (GRCh38, 1-based): chr16:2,106,407, C>T on the plus strand (G>A on the coding strand, the complement: PKD1 is on the minus strand). VCF-style: chr16-2106407-C-T. GRCh37 (hg19) VCF-style: chr16-2156408-C-T.
Other names: c.7480G>A, p.Glu2494Lys (NM_000296.4); short protein forms E2494K.
Identifiers: ClinVar variation 2683945 (VCV002683945.6), dbSNP rs765009165, ClinGen allele CA7831115.